The following is an entry in ClinVar:

NM_018124.4(RFWD3):c.1888G>C (p.Val630Leu)

Gene: RFWD3 (ring finger and WD repeat domain 3; minus strand). Cytogenetic location: 16q23.1.
Variant type: single nucleotide variant.
Coding change: c.1888G>C on transcript NM_018124.4 (MANE Select); coding-DNA position 1888, G replaced by C.
Protein change: p.Val630Leu; replaces valine 630 with leucine.
Molecular consequence: missense variant.
Genome position (GRCh38, 1-based): chr16:74,628,533, C>G on the plus strand (G>C on the coding strand, the complement: RFWD3 is on the minus strand). VCF-style: chr16-74628533-C-G. GRCh37 (hg19) VCF-style: chr16-74662431-C-G.
Other names: c.1888G>C, p.Val630Leu (NM_001370534.1, NM_001370535.1); c.1711G>C, p.Val571Leu (NM_001370536.1); c.1054G>C, p.Val352Leu (NM_001370537.1, NM_001370539.1, NM_001370540.1 and 3 more transcripts); short protein forms V352L, V571L, V630L.
Identifiers: ClinVar variation 2103425 (VCV002103425.4), dbSNP rs2543934469, ClinGen allele CA396759808.
Genomic context (GRCh38, chr16:74,628,533, plus strand): 5'-AGTGCCGGGAGCTGTTCTCTGTCTGAAAGTCTATGCAGCCCCCTGGCTCCAAGGGCAGCA[C>G]ATGAGGCCAATGAGAAAAGTCCATTTTCTGTTCCCAGAATGAAGCATCCTCCAAGGTTCC-3'
Protein context (NP_060594.3, residues 620-640): QKMDFSHWPH[Val630Leu]LPLEPGGCID

ClinVar aggregate classification (germline): Uncertain significance (1 of 4 stars; one submission).

Submission:

Labcorp Genetics (formerly Invitae), Labcorp
Classification: Uncertain significance. Last evaluated: 2022-02-25. Review status: criteria provided, single submitter. Criteria: Invitae Variant Classification Sherloc (09022015). Collection method: clinical testing. Allele origin: germline.
Comment: This sequence change replaces valine, which is neutral and non-polar, with leucine, which is neutral and non-polar, at codon 630 of the RFWD3 protein (p.Val630Leu). This variant is not present in population databases (gnomAD no frequency). This variant has not been reported in the literature in individuals affected with RFWD3-related conditions. Algorithms developed to predict the effect of missense changes on protein structure and function (SIFT, PolyPhen-2, Align-GVGD) all suggest that this variant is likely to be tolerated. In summary, the available evidence is currently insufficient to determine the role of this variant in disease. Therefore, it has been classified as a Variant of Uncertain Significance.